The following is an entry in ClinVar:

ClinVar aggregate classification (germline): Uncertain significance (1 of 4 stars; one submission).

gnomAD v4.1: 1 of 1,609,630 alleles (0.000062%); highest among the groups gnomAD compares: Non-Finnish European, 0.000085%; no homozygotes.

Submission:

Labcorp Genetics (formerly Invitae), Labcorp
Classification: Uncertain significance. Last evaluated: 2025-09-15. Review status: criteria provided, single submitter. Criteria: Invitae Variant Classification Sherloc (09022015). Collection method: clinical testing. Allele origin: germline.
Comment: This sequence change falls in intron 2 of the COL7A1 gene. It does not directly change the encoded amino acid sequence of the COL7A1 protein. It affects a nucleotide within the consensus splice site. This variant is not present in population databases (gnomAD no frequency). This variant has not been reported in the literature in individuals affected with COL7A1-related conditions. ClinVar contains an entry for this variant (Variation ID: 3672014). Variants that disrupt the consensus splice site are a relatively common cause of aberrant splicing (PMID: 17576681, 9536098). Algorithms developed to predict the effect of sequence changes on RNA splicing suggest that this variant may disrupt the consensus splice site. In summary, the available evidence is currently insufficient to determine the role of this variant in disease. Therefore, it has been classified as a Variant of Uncertain Significance.

Literature cited by the submitters: PubMed 17576681; PubMed 9536098.

NM_000094.4(COL7A1):c.266+5G>A

Gene: COL7A1 (collagen type VII alpha 1 chain; minus strand). Cytogenetic location: 3p21.31.
Variant type: single nucleotide variant.
Coding change: c.266+5G>A on transcript NM_000094.4 (MANE Select); 5 bases into the intron after coding-DNA position 266, G replaced by A.
Molecular consequence: intron variant.
Genome position (GRCh38, 1-based): chr3:48,594,363, C>T on the plus strand (G>A on the coding strand, the complement: COL7A1 is on the minus strand). VCF-style: chr3-48594363-C-T. GRCh37 (hg19) VCF-style: chr3-48631796-C-T.
Identifiers: ClinVar variation 3672014 (VCV003672014.2).